The following is an entry in ClinVar:

ClinVar aggregate classification (germline): Pathogenic (1 of 4 stars; one submission).

Submission:

Labcorp Genetics (formerly Invitae), Labcorp
Classification: Pathogenic. Last evaluated: 2019-12-03. Review status: criteria provided, single submitter. Criteria: Invitae Variant Classification Sherloc (09022015). Collection method: clinical testing. Allele origin: germline.
Comment: For these reasons, this variant has been classified as Pathogenic. Loss-of-function variants in AQP2 are known to be pathogenic (PMID: 9024277, 27156763). This variant has not been reported in the literature in individuals with AQP2-related conditions. This variant is not present in population databases (ExAC no frequency). This sequence change creates a premature translational stop signal (p.Gln140*) in the AQP2 gene. It is expected to result in an absent or disrupted protein product.

Literature cited by the submitters: PubMed 9024277; PubMed 27156763.

NM_000486.6(AQP2):c.418C>T (p.Gln140Ter)

Genes: AQP5-AS1 (AQP5 and AQP2 antisense RNA 2; minus strand), AQP2 (aquaporin 2; plus strand). Cytogenetic location: 12q13.12.
Variant type: single nucleotide variant.
Coding change: c.418C>T on transcript NM_000486.6 (MANE Select); coding-DNA position 418, C replaced by T.
Protein change: p.Gln140Ter; replaces glutamine 140 with a stop codon.
Molecular consequence: nonsense. On other transcripts: non-coding transcript variant (1).
Genome position (GRCh38, 1-based): chr12:49,954,212, C>T. VCF-style: chr12-49954212-C-T. GRCh37 (hg19) VCF-style: chr12-50347995-C-T.
Other names: short protein forms Q140*.
Identifiers: ClinVar variation 846025 (VCV000846025.7), dbSNP rs1947349400, ClinGen allele CA384773581.